The following is an entry in ClinVar:

ClinVar aggregate classification (germline): Uncertain significance (1 of 4 stars; one submission).

Conditions:
Primary ciliary dyskinesia. Also called: Ciliary dyskinesia. Identifiers: Orphanet 244, MedGen C0008780, MONDO:0016575, HP:0012265.

Submission:

Labcorp Genetics (formerly Invitae), Labcorp
Classification: Uncertain significance for Primary ciliary dyskinesia. Last evaluated: 2019-01-08. Review status: criteria provided, single submitter. Criteria: Invitae Variant Classification Sherloc (09022015). Collection method: clinical testing. Allele origin: germline.
Comment: In summary, the available evidence is currently insufficient to determine the role of this variant in disease. Therefore, it has been classified as a Variant of Uncertain Significance. Algorithms developed to predict the effect of missense changes on protein structure and function are either unavailable or do not agree on the potential impact of this missense change (SIFT: "Tolerated"; PolyPhen-2: "Possibly Damaging"; Align-GVGD: "Class C0"). This variant has not been reported in the literature in individuals with CCNO-related conditions. This variant is not present in population databases (ExAC no frequency). This sequence change replaces alanine with serine at codon 274 of the CCNO protein (p.Ala274Ser). The alanine residue is moderately conserved and there is a moderate physicochemical difference between alanine and serine.

NM_021147.5(CCNO):c.820G>T (p.Ala274Ser)

Gene: CCNO (cyclin O; minus strand). Cytogenetic location: 5q11.2.
Variant type: single nucleotide variant.
Coding change: c.820G>T on transcript NM_021147.5 (MANE Select); coding-DNA position 820, G replaced by T.
Protein change: p.Ala274Ser; replaces alanine 274 with serine.
Molecular consequence: missense variant. On other transcripts: non-coding transcript variant (3).
Genome position (GRCh38, 1-based): chr5:55,231,608, C>A on the plus strand (G>T on the coding strand, the complement: CCNO is on the minus strand). VCF-style: chr5-55231608-C-A. GRCh37 (hg19) VCF-style: chr5-54527436-C-A.
Other names: short protein forms A274S.
Identifiers: ClinVar variation 853209 (VCV000853209.10), dbSNP rs1745578274, ClinGen allele CA359721040.
Genomic context (GRCh38, chr5:55,231,608, plus strand): 5'-TGCGGTCCGCCAGCGCCAGGCAGCAGATCGCCAGGAGGGAAGGGGAGTAGCTGGTGAAGG[C>A]ATAGTCGGCCAGACTCAGCTCTGCCACCCCCCGCGCCAGGGCTTGCGCTTCCAGAGCTTC-3'
Protein context (NP_066970.3, residues 264-284): GVAELSLADY[Ala274Ser]FTSYSPSLLA